The following is an entry in ClinVar:

ClinVar aggregate classification (germline): Uncertain significance (1 of 4 stars; one submission).

gnomAD v4.1: 1 of 1,611,540 alleles (0.000062%); highest among the groups gnomAD compares: Non-Finnish European, 0.000085%; no homozygotes.

Submission:

Labcorp Genetics (formerly Invitae), Labcorp
Classification: Uncertain significance. Last evaluated: 2021-11-11. Review status: criteria provided, single submitter. Criteria: Invitae Variant Classification Sherloc (09022015). Collection method: clinical testing. Allele origin: germline.
Comment: This sequence change replaces leucine, which is neutral and non-polar, with valine, which is neutral and non-polar, at codon 470 of the MPDZ protein (p.Leu470Val). This variant is not present in population databases (gnomAD no frequency). This variant has not been reported in the literature in individuals affected with MPDZ-related conditions. Algorithms developed to predict the effect of missense changes on protein structure and function (SIFT, PolyPhen-2, Align-GVGD) all suggest that this variant is likely to be tolerated. Algorithms developed to predict the effect of sequence changes on RNA splicing suggest that this variant may create or strengthen a splice site. In summary, the available evidence is currently insufficient to determine the role of this variant in disease. Therefore, it has been classified as a Variant of Uncertain Significance.

NM_001378778.1(MPDZ):c.1408C>G (p.Leu470Val)

Gene: MPDZ (multiple PDZ domain crumbs cell polarity complex component; minus strand). Cytogenetic location: 9p23.
Variant type: single nucleotide variant.
Coding change: c.1408C>G on transcript NM_001378778.1 (MANE Select); coding-DNA position 1408, C replaced by G.
Protein change: p.Leu470Val; replaces leucine 470 with valine.
Molecular consequence: missense variant.
Genome position (GRCh38, 1-based): chr9:13,205,982, G>C on the plus strand (C>G on the coding strand, the complement: MPDZ is on the minus strand). VCF-style: chr9-13205982-G-C. GRCh37 (hg19) VCF-style: chr9-13205981-G-C.
Other names: c.1408C>G, p.Leu470Val (NM_001261406.2, NM_001261407.2, NM_001330637.2 and 14 more transcripts); short protein forms L470V.
Identifiers: ClinVar variation 1356905 (VCV001356905.6), dbSNP rs1956942445, ClinGen allele CA372943192.